The following is an entry in ClinVar:

NM_003060.4(SLC22A5):c.1219C>T (p.Leu407Phe)

Gene: SLC22A5 (solute carrier family 22 member 5; plus strand). Cytogenetic location: 5q31.1.
Variant type: single nucleotide variant.
Coding change: c.1219C>T on transcript NM_003060.4 (MANE Select); coding-DNA position 1219, C replaced by T.
Protein change: p.Leu407Phe; replaces leucine 407 with phenylalanine.
Molecular consequence: missense variant.
Genome position (GRCh38, 1-based): chr5:132,390,856, C>T. VCF-style: chr5-132390856-C-T. GRCh37 (hg19) VCF-style: chr5-131726548-C-T.
Other names: c.1291C>T, p.Leu431Phe (NM_001308122.2); short protein forms L407F, L431F.
Identifiers: ClinVar variation 460393 (VCV000460393.5), dbSNP rs754913053, ClinGen allele CA3404099.

ClinVar aggregate classification (germline): Uncertain significance. Review status: criteria provided, multiple submitters, no conflicts (2 of 4 stars). 2 submissions from 2 submitters: Uncertain significance (2). Last evaluated 2022-02-04.

Conditions:
Renal carnitine transport defect (CDSP). Also called: Primary carnitine deficiency; CARNITINE DEFICIENCY, SYSTEMIC, DUE TO DEFECT IN RENAL REABSORPTION OF CARNITINE; CARNITINE TRANSPORTER, PLASMA-MEMBRANE, DEFICIENCY OF; CARNITINE UPTAKE DEFECT; Systemic primary carnitine deficiency; Systemic primary carnitine deficiency disease. Identifiers: Orphanet 158, MedGen C0342788, MONDO:0008919, OMIM 212140.

Allele frequency attached by ClinVar (database versions not stated): ExAC 0.00001; gnomAD exomes 0.00001; TOPMed 0.00001.

Submissions (2):

Labcorp Genetics (formerly Invitae), Labcorp
Classification: Uncertain significance for Renal carnitine transport defect. Last evaluated: 2022-02-04. Review status: criteria provided, single submitter. Criteria: Invitae Variant Classification Sherloc (09022015). Collection method: clinical testing. Allele origin: germline.
Comment: This sequence change replaces leucine, which is neutral and non-polar, with phenylalanine, which is neutral and non-polar, at codon 407 of the SLC22A5 protein (p.Leu407Phe). This variant is present in population databases (rs754913053, gnomAD 0.007%). This variant has not been reported in the literature in individuals affected with SLC22A5-related conditions. ClinVar contains an entry for this variant (Variation ID: 460393). Algorithms developed to predict the effect of missense changes on protein structure and function are either unavailable or do not agree on the potential impact of this missense change (SIFT: "Deleterious"; PolyPhen-2: "Benign"; Align-GVGD: "Class C0"). In summary, the available evidence is currently insufficient to determine the role of this variant in disease. Therefore, it has been classified as a Variant of Uncertain Significance.

Fulgent Genetics
Classification: Uncertain significance for Renal carnitine transport defect. Last evaluated: 2021-07-02. Review status: criteria provided, single submitter. Criteria: ACMG Guidelines, 2015. Collection method: clinical testing. Allele origin: unknown.